The following is an entry in ClinVar:

ClinVar aggregate classification (germline): Conflicting classifications of pathogenicity. Review status: criteria provided, conflicting classifications (1 of 4 stars). 4 submissions from 4 submitters: Likely pathogenic (1); Uncertain significance (3). Last evaluated 2026-01-23.

Conditions:
Charcot-Marie-Tooth disease X-linked dominant 1. Also called: CHARCOT-MARIE-TOOTH NEUROPATHY, X-LINKED, 1; CHARCOT-MARIE-TOOTH PERONEAL MUSCULAR ATROPHY, X-LINKED; HEREDITARY MOTOR AND SENSORY NEUROPATHY, X-LINKED; HMSN, X-LINKED; X-linked Charcot-Marie-Tooth disease type 1; GJB1 Disorders: Charcot-Marie-Tooth Neuropathy (CMT1X) and Central Nervous System Phenotypes. Identifiers: Orphanet 101075, MedGen C0393808, MONDO:0010549, OMIM 302800.
Charcot-Marie-Tooth Neuropathy X. Identifiers: MedGen CN118851.

Allele frequency attached by ClinVar (database versions not stated): gnomAD exomes below 0.00001 and 0.00001; TOPMed below 0.00001; gnomAD 0.00001.
gnomAD v4.1: 6 of 1,199,031 alleles (0.0005%); highest among the groups gnomAD compares: South Asian, 0.0055%; no homozygotes.

Submissions (4):

Dasa
Classification: Uncertain significance. Last evaluated: 2026-01-23. Review status: criteria provided, single submitter. Criteria: DASA Assertion Criteria. Collection method: clinical testing. Allele origin: germline.
Comment: NM_000166.6(GJB1):c.320G>A (p.Arg107Gln) is a missense variant that results in the substitution of arginine with glutamine. The affected residue or protein region has prior evidence supporting clinical relevance. This variant is rare in population databases. The currently available literature and clinical evidence are not sufficient to establish a definitive association between this variant and the reported condition. Therefore, this variant is classified as a variant of uncertain significance.

Labcorp Genetics (formerly Invitae), Labcorp
Classification: Uncertain significance for Charcot-Marie-Tooth Neuropathy X. Last evaluated: 2025-04-28. Review status: criteria provided, single submitter. Criteria: Invitae Variant Classification Sherloc (09022015). Collection method: clinical testing. Allele origin: germline.
Comment: This sequence change replaces arginine, which is basic and polar, with glutamine, which is neutral and polar, at codon 107 of the GJB1 protein (p.Arg107Gln). The frequency data for this variant in the population databases is considered unreliable, as metrics indicate poor data quality at this position in the gnomAD database. This variant has not been reported in the literature in individuals affected with GJB1-related conditions. ClinVar contains an entry for this variant (Variation ID: 1299490). Invitae Evidence Modeling of protein sequence and biophysical properties (such as structural, functional, and spatial information, amino acid conservation, physicochemical variation, residue mobility, and thermodynamic stability) indicates that this missense variant is not expected to disrupt GJB1 protein function with a negative predictive value of 95%. This variant disrupts the p.Arg107 amino acid residue in GJB1. Other variant(s) that disrupt this residue have been determined to be pathogenic (PMID: 8829637, 9272161, 10737979, 27544631). This suggests that this residue is clinically significant, and that variants that disrupt this residue are likely to be disease-causing. In summary, the available evidence is currently insufficient to determine the role of this variant in disease. Therefore, it has been classified as a Variant of Uncertain Significance.

Laboratório de Neurologia Aplicada e Experimental, Faculdade de Medicina de Ribeirao Preto – Universidade de Sao Paulo
Classification: Likely pathogenic for Charcot-Marie-Tooth disease X-linked dominant 1. Last evaluated: 2021-07-20. Review status: criteria provided, single submitter. Criteria: ACMG Guidelines, 2015. Collection method: research. Allele origin: germline. Inheritance: X-linked inheritance. Affected: yes. Observed: 2 variant alleles, 1 heterozygote, 1 hemizygote.
Comment: The c.320G>A (p.Arg107Gln) variant in the GJB1 gene has not been described in the literature to our knowledge. This variant is present in the GnomAD population database (rs1383588318; 0.001e-2) at a low frequency, but absent from the ABraOM population database, suggesting it is not a common benign variant these populations. This variant replaces arginine with glutamine at codon 107 of the GJB1 protein, a hot spot region that is highly conserved across different species. Additionally, a missense variant in the same amino acid (p.Arg107Trp) has been reported as pathogenic in several families with CMTX (PMID: 10737979; PMID: 10732813; PMID: 9818870; PMID: 9401007; PMID: 9361298; PMID: 27544631; PMID: 19259128; PMID: 15006706; PMID: 8829637; PMID: 19259128; PMID: 9272161). Besides that, this variant segregates with family phenotype in an X-linked recessive inheritance. In summary, the p.Arg107Gln meets our criteria to be classified as likely pathogenic.

GeneDx
Classification: Uncertain significance. Last evaluated: 2019-08-02. Review status: criteria provided, single submitter. Criteria: GeneDx Variant Classification Process June 2021. Collection method: clinical testing. Allele origin: germline. Affected: yes.
Comment: The majority of missense variants in this gene are considered pathogenic (Stenson et al., 2014); In silico analysis, which includes protein predictors and evolutionary conservation, supports that this variant does not alter protein structure/function; Has not been previously published as pathogenic or benign to our knowledge

Literature cited by the submitters: PubMed 8829637 (cited by Labcorp Genetics (formerly Invitae), Labcorp and Laboratório de Neurologia Aplicada e Experimental, Faculdade de Medicina de Ribeirao Preto – Universidade de Sao Paulo); PubMed 9272161 (cited by Labcorp Genetics (formerly Invitae), Labcorp and Laboratório de Neurologia Aplicada e Experimental, Faculdade de Medicina de Ribeirao Preto – Universidade de Sao Paulo); PubMed 10737979 (cited by Labcorp Genetics (formerly Invitae), Labcorp and Laboratório de Neurologia Aplicada e Experimental, Faculdade de Medicina de Ribeirao Preto – Universidade de Sao Paulo); PubMed 27544631 (cited by Labcorp Genetics (formerly Invitae), Labcorp and Laboratório de Neurologia Aplicada e Experimental, Faculdade de Medicina de Ribeirao Preto – Universidade de Sao Paulo); PubMed 10732813 (cited by Laboratório de Neurologia Aplicada e Experimental, Faculdade de Medicina de Ribeirao Preto – Universidade de Sao Paulo); PubMed 9818870 (cited by Laboratório de Neurologia Aplicada e Experimental, Faculdade de Medicina de Ribeirao Preto – Universidade de Sao Paulo); PubMed 9401007 (cited by Laboratório de Neurologia Aplicada e Experimental, Faculdade de Medicina de Ribeirao Preto – Universidade de Sao Paulo); PubMed 9361298 (cited by Laboratório de Neurologia Aplicada e Experimental, Faculdade de Medicina de Ribeirao Preto – Universidade de Sao Paulo); PubMed 19259128 (cited by Laboratório de Neurologia Aplicada e Experimental, Faculdade de Medicina de Ribeirao Preto – Universidade de Sao Paulo); PubMed 15006706 (cited by Laboratório de Neurologia Aplicada e Experimental, Faculdade de Medicina de Ribeirao Preto – Universidade de Sao Paulo).

NM_000166.6(GJB1):c.320G>A (p.Arg107Gln)

Gene: GJB1 (gap junction protein beta 1; plus strand). Cytogenetic location: Xq13.1.
Variant type: single nucleotide variant.
Coding change: c.320G>A on transcript NM_000166.6 (MANE Select); coding-DNA position 320, G replaced by A.
Protein change: p.Arg107Gln; replaces arginine 107 with glutamine.
Molecular consequence: missense variant.
Genome position (GRCh38, 1-based): chrX:71,224,027, G>A. VCF-style: chrX-71224027-G-A. GRCh37 (hg19) VCF-style: chrX-70443877-G-A.
Other names: chrX-71224027-G-A; p.Arg107Gln; c.320G>A, p.Arg107Gln (NM_001097642.3); short protein forms R107Q.
Identifiers: ClinVar variation 1299490 (VCV001299490.24), dbSNP rs1383588318, ClinGen allele CA413501913.